The following is an entry in ClinVar:

NM_001999.4(FBN2):c.6619A>G (p.Thr2207Ala)

Gene: FBN2 (fibrillin 2; minus strand). Cytogenetic location: 5q23.3.
Variant type: single nucleotide variant.
Coding change: c.6619A>G on transcript NM_001999.4 (MANE Select); coding-DNA position 6619, A replaced by G.
Protein change: p.Thr2207Ala; replaces threonine 2207 with alanine.
Molecular consequence: missense variant.
Genome position (GRCh38, 1-based): chr5:128,289,145, T>C on the plus strand (A>G on the coding strand, the complement: FBN2 is on the minus strand). VCF-style: chr5-128289145-T-C. GRCh37 (hg19) VCF-style: chr5-127624837-T-C.
Other names: short protein forms T2207A.
Identifiers: ClinVar variation 4281073 (VCV004281073.7).

ClinVar aggregate classification (germline): Uncertain significance (1 of 4 stars; one submission).

gnomAD v4.1: 6 of 1,614,142 alleles (0.00037%); highest among the groups gnomAD compares: East Asian, 0.0045%; no homozygotes.

Submission:

CeGaT Center for Human Genetics Tuebingen
Classification: Uncertain significance. Last evaluated: 2025-09-01. Review status: criteria provided, single submitter. Criteria: CeGaT Center For Human Genetics Tuebingen Variant Classification Criteria Version 2. Collection method: clinical testing. Allele origin: germline. Affected: yes. Observed: 1 variant allele.
Comment: FBN2: PM2:Supporting